The following is an entry in ClinVar:

NM_012281.3(KCND2):c.1343A>G (p.Lys448Arg)

Gene: KCND2 (potassium voltage-gated channel subfamily D member 2; plus strand). Cytogenetic location: 7q31.31.
Variant type: single nucleotide variant.
Coding change: c.1343A>G on transcript NM_012281.3 (MANE Select); coding-DNA position 1343, A replaced by G.
Protein change: p.Lys448Arg; replaces lysine 448 with arginine.
Molecular consequence: missense variant.
Genome position (GRCh38, 1-based): chr7:120,741,598, A>G. VCF-style: chr7-120741598-A-G. GRCh37 (hg19) VCF-style: chr7-120381652-A-G.
Other names: short protein forms K448R.
Identifiers: ClinVar variation 4532059 (VCV004532059.1).
Genomic context (GRCh38, chr7:120,741,598, plus strand): 5'-CTAGACTGGCCAGGATCCGGGCAGCCAAAAGCGGAAGCGCAAATGCTTACATGCAGAGCA[A>G]ACGGAATGGTTTACTCAGTAATCAGCTGCAGGTACAATCAATTACATCTCTTTTTTTAAT-3'
Protein context (NP_036413.1, residues 438-458): SGSANAYMQS[Lys448Arg]RNGLLSNQLQ

ClinVar aggregate classification (germline): Uncertain significance (1 of 4 stars; one submission).

Conditions:
Neurodevelopmental disorder. Identifiers: MedGen C1535926, MeSH D065886, MONDO:0700092.

Submission:

Victorian Clinical Genetics Services, Murdoch Childrens Research Institute
Classification: Uncertain significance for Neurodevelopmental disorder. Last evaluated: 2025-06-27. Review status: criteria provided, single submitter. Criteria: ACMG Guidelines, 2015. Collection method: clinical testing. Allele origin: germline. Affected: yes.
Comment: This variant is classified as VUS-3B. Evidence in support of pathogenic classification: Variant is absent from gnomAD (v2, v3 and v4). Additional information: Variant is predicted to result in a missense amino acid change from lysine to arginine; This variant is heterozygous; This gene is associated with autosomal dominant disease; This variant has no previous evidence of pathogenicity; No published segregation evidence has been identified for this variant; No published functional evidence has been identified for this variant; No comparable missense variants have previous evidence for pathogenicity; Variant is not located in an established domain, motif, hotspot or informative constraint region; Missense variant with inconclusive in silico prediction and/or uninformative conservation; The mechanism of disease for this gene is not clearly established. However, functional studies have indicated that variants may cause both a partial loss- and gain-of-function effect through enhanced inactivation of channels that have not opened and impaired inactivation of channels that have opened (PMIDs: 34245260, 29581270).

Literature cited by the submitters: PubMed 34245260; PubMed 29581270.